The following is an entry in ClinVar:

ClinVar aggregate classification (germline): Uncertain significance (1 of 4 stars; one submission).

Submission:

Labcorp Genetics (formerly Invitae), Labcorp
Classification: Uncertain significance. Last evaluated: 2024-05-06. Review status: criteria provided, single submitter. Criteria: Invitae Variant Classification Sherloc (09022015). Collection method: clinical testing. Allele origin: germline.
Comment: This sequence change replaces valine, which is neutral and non-polar, with alanine, which is neutral and non-polar, at codon 346 of the P3H2 protein (p.Val346Ala). This variant is not present in population databases (gnomAD no frequency). This variant has not been reported in the literature in individuals affected with P3H2-related conditions. ClinVar contains an entry for this variant (Variation ID: 1493043). Advanced modeling of protein sequence and biophysical properties (such as structural, functional, and spatial information, amino acid conservation, physicochemical variation, residue mobility, and thermodynamic stability) performed at Invitae indicates that this missense variant is not expected to disrupt P3H2 protein function with a negative predictive value of 80%. In summary, the available evidence is currently insufficient to determine the role of this variant in disease. Therefore, it has been classified as a Variant of Uncertain Significance.

NM_018192.4(P3H2):c.1037T>C (p.Val346Ala)

Gene: P3H2 (prolyl 3-hydroxylase 2; minus strand). Cytogenetic location: 3q28.
Variant type: single nucleotide variant.
Coding change: c.1037T>C on transcript NM_018192.4 (MANE Select); coding-DNA position 1037, T replaced by C.
Protein change: p.Val346Ala; replaces valine 346 with alanine.
Molecular consequence: missense variant.
Genome position (GRCh38, 1-based): chr3:189,987,588, A>G on the plus strand (T>C on the coding strand, the complement: P3H2 is on the minus strand). VCF-style: chr3-189987588-A-G. GRCh37 (hg19) VCF-style: chr3-189705377-A-G.
Other names: c.494T>C, p.Val165Ala (NM_001134418.2); short protein forms V346A, V165A.
Identifiers: ClinVar variation 1493043 (VCV001493043.6), dbSNP rs932824896, ClinGen allele CA89730781.